The following is an entry in ClinVar:

ClinVar aggregate classification (germline): Uncertain significance. Review status: criteria provided, multiple submitters, no conflicts (2 of 4 stars). 2 submissions from 2 submitters: Uncertain significance (2). Last evaluated 2024-09-03.

Conditions:
Inborn genetic diseases. Identifiers: MedGen C0950123, MeSH D030342.
Hereditary sensory and autonomic neuropathy type 1 (HSAN1). Also called: HSAN 1; HSN Type I; Hereditary Sensory Neuropathy Type I. Identifiers: Orphanet 36386, MedGen C0020071, MONDO:0018213.

gnomAD v4.1: 7 of 1,613,372 alleles (0.00043%); highest among the groups gnomAD compares: South Asian, 0.0011%; no homozygotes.

Submissions (2):

Ambry Genetics
Classification: Uncertain significance for Inborn genetic diseases. Last evaluated: 2024-09-03. Review status: criteria provided, single submitter. Criteria: Ambry Variant Classification Scheme 2023. Collection method: clinical testing. Allele origin: germline.

Labcorp Genetics (formerly Invitae), Labcorp
Classification: Uncertain significance for Hereditary sensory and autonomic neuropathy type 1. Last evaluated: 2023-12-14. Review status: criteria provided, single submitter. Criteria: Invitae Variant Classification Sherloc (09022015). Collection method: clinical testing. Allele origin: germline.
Comment: This sequence change replaces arginine, which is basic and polar, with histidine, which is basic and polar, at codon 233 of the SPTLC1 protein (p.Arg233His). This variant is present in population databases (no rsID available, gnomAD 0.002%). This variant has not been reported in the literature in individuals affected with SPTLC1-related conditions. ClinVar contains an entry for this variant (Variation ID: 1756466). Advanced modeling of protein sequence and biophysical properties (such as structural, functional, and spatial information, amino acid conservation, physicochemical variation, residue mobility, and thermodynamic stability) performed at Invitae indicates that this missense variant is expected to disrupt SPTLC1 protein function with a positive predictive value of 95%. In summary, the available evidence is currently insufficient to determine the role of this variant in disease. Therefore, it has been classified as a Variant of Uncertain Significance.

NM_006415.4(SPTLC1):c.698G>A (p.Arg233His)

Gene: SPTLC1 (serine palmitoyltransferase long chain base subunit 1; minus strand). Cytogenetic location: 9q22.31.
Variant type: single nucleotide variant.
Coding change: c.698G>A on transcript NM_006415.4 (MANE Select); coding-DNA position 698, G replaced by A.
Protein change: p.Arg233His; replaces arginine 233 with histidine.
Molecular consequence: missense variant.
Genome position (GRCh38, 1-based): chr9:92,055,487, C>T on the plus strand (G>A on the coding strand, the complement: SPTLC1 is on the minus strand). VCF-style: chr9-92055487-C-T. GRCh37 (hg19) VCF-style: chr9-94817769-C-T.
Other names: c.698G>A, p.Arg233His (NM_001281303.2); c.332G>A, p.Arg111His (NM_001368272.1); c.233G>A, p.Arg78His (NM_001368273.1); short protein forms R111H, R233H, R78H.
Identifiers: ClinVar variation 1756466 (VCV001756466.6), dbSNP rs764623559, ClinGen allele CA195392909.